The following is an entry in ClinVar:

NM_000329.3(RPE65):c.485C>T (p.Thr162Ile)

Gene: RPE65 (retinoid isomerohydrolase RPE65; minus strand). Cytogenetic location: 1p31.3.
Variant type: single nucleotide variant.
Coding change: c.485C>T on transcript NM_000329.3 (MANE Select); coding-DNA position 485, C replaced by T.
Protein change: p.Thr162Ile; replaces threonine 162 with isoleucine.
Molecular consequence: missense variant.
Genome position (GRCh38, 1-based): chr1:68,444,541, G>A on the plus strand (C>T on the coding strand, the complement: RPE65 is on the minus strand). VCF-style: chr1-68444541-G-A. GRCh37 (hg19) VCF-style: chr1-68910224-G-A.
Other names: short protein forms T162I.
Identifiers: ClinVar variation 1407662 (VCV001407662.7), dbSNP rs1360779220, ClinGen allele CA340747410.

ClinVar aggregate classification (germline): Uncertain significance (1 of 4 stars; one submission).

Conditions:
Retinitis pigmentosa 20 (RP20). Identifiers: Orphanet 791, MedGen C3151086, MONDO:0013425, OMIM 613794.
Leber congenital amaurosis 2 (LCA2). Also called: AMAUROSIS CONGENITA OF LEBER II; Autosomal Recessive RPE65-Related Retinal Degeneration. Identifiers: Orphanet 65, MedGen C1859844, MONDO:0008765, OMIM 204100. Disease mechanism: loss of function.

Allele frequency attached by ClinVar (database versions not stated): gnomAD exomes below 0.00001 and 0.00001; TOPMed below 0.00001.
gnomAD v4.1: 3 of 1,614,010 alleles (0.00019%); highest among the groups gnomAD compares: African/African-American, 0.0013%; no homozygotes.

Submission:

Labcorp Genetics (formerly Invitae), Labcorp
Classification: Uncertain significance for Leber congenital amaurosis 2; Retinitis pigmentosa 20. Last evaluated: 2025-09-11. Review status: criteria provided, single submitter. Criteria: Invitae Variant Classification Sherloc (09022015). Collection method: clinical testing. Allele origin: germline.
Comment: This sequence change replaces threonine, which is neutral and polar, with isoleucine, which is neutral and non-polar, at codon 162 of the RPE65 protein (p.Thr162Ile). This variant is present in population databases (no rsID available, gnomAD 0.007%). This missense change has been observed in individual(s) with clinical features of inherited retinal dystrophy (internal data). In at least one individual the data is consistent with being in trans (on the opposite chromosome) from a pathogenic variant. ClinVar contains an entry for this variant (Variation ID: 1407662). Invitae Evidence Modeling of protein sequence and biophysical properties (such as structural, functional, and spatial information, amino acid conservation, physicochemical variation, residue mobility, and thermodynamic stability) has been performed for this missense variant. However, the output from this modeling did not meet the statistical confidence thresholds required to predict the impact of this variant on RPE65 protein function. In summary, the available evidence is currently insufficient to determine the role of this variant in disease. Therefore, it has been classified as a Variant of Uncertain Significance.